The following is an entry in ClinVar:

NM_005732.4(RAD50):c.2143A>G (p.Thr715Ala)

Gene: RAD50 (RAD50 double strand break repair protein; plus strand). Cytogenetic location: 5q31.1.
Variant type: single nucleotide variant.
Coding change: c.2143A>G on transcript NM_005732.4 (MANE Select); coding-DNA position 2143, A replaced by G.
Protein change: p.Thr715Ala; replaces threonine 715 with alanine.
Molecular consequence: missense variant.
Genome position (GRCh38, 1-based): chr5:132,595,746, A>G. VCF-style: chr5-132595746-A-G. GRCh37 (hg19) VCF-style: chr5-131931438-A-G.
Other names: short protein forms T715A.
Identifiers: ClinVar variation 2117481 (VCV002117481.4), dbSNP rs2479652210, ClinGen allele CA360950419.

ClinVar aggregate classification (germline): Uncertain significance (1 of 4 stars; one submission).

Conditions:
Hereditary cancer-predisposing syndrome. Also called: Neoplastic Syndromes, Hereditary; Tumor predisposition; Hereditary Cancer Syndrome; Hereditary neoplastic syndrome. Identifiers: Orphanet 140162, MedGen C0027672, MeSH D009386, MONDO:0015356.

Submission:

Labcorp Genetics (formerly Invitae), Labcorp
Classification: Uncertain significance for Hereditary cancer-predisposing syndrome. Last evaluated: 2022-03-26. Review status: criteria provided, single submitter. Criteria: Invitae Variant Classification Sherloc (09022015). Collection method: clinical testing. Allele origin: germline.
Comment: Algorithms developed to predict the effect of missense changes on protein structure and function (SIFT, PolyPhen-2, Align-GVGD) all suggest that this variant is likely to be tolerated. This variant has not been reported in the literature in individuals affected with RAD50-related conditions. This variant is not present in population databases (gnomAD no frequency). This sequence change replaces threonine, which is neutral and polar, with alanine, which is neutral and non-polar, at codon 715 of the RAD50 protein (p.Thr715Ala). In summary, the available evidence is currently insufficient to determine the role of this variant in disease. Therefore, it has been classified as a Variant of Uncertain Significance.